The following is an entry in ClinVar:

ClinVar aggregate classification (germline): Uncertain significance (1 of 4 stars; one submission).

Submission:

GeneDx
Classification: Uncertain significance. Last evaluated: 2026-02-10. Review status: criteria provided, single submitter. Criteria: GeneDx Variant Classification Process June 2021. Collection method: clinical testing. Allele origin: germline.
Comment: Not observed at significant frequency in large population cohorts (gnomAD); In silico analysis supports a deleterious effect on splicing; Has not been previously published as pathogenic or benign to our knowledge

NM_138694.4(PKHD1):c.1602+5G>C

Gene: PKHD1 (PKHD1 ciliary IPT domain containing fibrocystin/polyductin; minus strand). Cytogenetic location: 6p12.2.
Variant type: single nucleotide variant.
Coding change: c.1602+5G>C on transcript NM_138694.4 (MANE Select); 5 bases into the intron after coding-DNA position 1602, G replaced by C.
Molecular consequence: intron variant.
Genome position (GRCh38, 1-based): chr6:52,056,885, C>G on the plus strand (G>C on the coding strand, the complement: PKHD1 is on the minus strand). VCF-style: chr6-52056885-C-G. GRCh37 (hg19) VCF-style: chr6-51921683-C-G.
Other names: c.1602+5G>C (NM_170724.3).
Identifiers: ClinVar variation 4976256 (VCV004976256.1).